The following is an entry in ClinVar:

NM_001101426.4(CRPPA):c.1251+89T>A

Genes: CRPPA (CDP-L-ribitol pyrophosphorylase A; minus strand), CRPPA-AS1 (CRPPA antisense RNA 1; plus strand). Cytogenetic location: 7p21.2.
Variant type: single nucleotide variant.
Coding change: c.1251+89T>A on transcript NM_001101426.4 (MANE Select); 89 bases into the intron after coding-DNA position 1251, T replaced by A.
Molecular consequence: intron variant.
Genome position (GRCh38, 1-based): chr7:16,215,977, A>T on the plus strand (T>A on the coding strand, the complement: CRPPA is on the minus strand). VCF-style: chr7-16215977-A-T. GRCh37 (hg19) VCF-style: chr7-16255602-A-T.
Other names: c.1101+89T>A (NM_001101417.4); c.1146+89T>A (NM_001368197.1).
Identifiers: ClinVar variation 682001 (VCV000682001.1), dbSNP rs4389828, ClinGen allele CA12498731.

ClinVar aggregate classification (germline): Benign (1 of 4 stars; one submission).

Allele frequency attached by ClinVar (database versions not stated): 1000 Genomes Project 30x 0.60244; 1000 Genomes Project 0.60723; gnomAD 0.64713; TOPMed 0.63043.
gnomAD v4.1: 679,322 of 1,037,554 alleles (65%); highest among the groups gnomAD compares: Admixed American, 70%; 224,018 homozygotes.

Submission:

GeneDx
Classification: Benign. Last evaluated: 2018-06-14. Review status: criteria provided, single submitter. Criteria: GeneDx Variant Classification (06012015). Collection method: clinical testing. Allele origin: germline. Affected: yes.
Comment: This variant is considered likely benign or benign based on one or more of the following criteria: it is a conservative change, it occurs at a poorly conserved position in the protein, it is predicted to be benign by multiple in silico algorithms, and/or has population frequency not consistent with disease.